The following is an entry in ClinVar:

ClinVar aggregate classification (germline): Uncertain significance. Review status: criteria provided, multiple submitters, no conflicts (2 of 4 stars). 2 submissions from 2 submitters: Uncertain significance (2). Last evaluated 2024-11-11.

Allele frequency attached by ClinVar (database versions not stated): gnomAD 0.00001; gnomAD exomes 0.00002.
gnomAD v4.1: 64 of 1,550,348 alleles (0.0041%); highest among the groups gnomAD compares: Middle Eastern, 0.017%; no homozygotes.

Submissions (2):

Labcorp Genetics (formerly Invitae), Labcorp
Classification: Uncertain significance. Last evaluated: 2024-11-11. Review status: criteria provided, single submitter. Criteria: Invitae Variant Classification Sherloc (09022015). Collection method: clinical testing. Allele origin: germline.
Comment: This sequence change replaces aspartic acid, which is acidic and polar, with glutamic acid, which is acidic and polar, at codon 243 of the LRTOMT protein (p.Asp243Glu). This variant is present in population databases (no rsID available, gnomAD 0.007%). This variant has not been reported in the literature in individuals affected with LRTOMT-related conditions. ClinVar contains an entry for this variant (Variation ID: 228839). Invitae Evidence Modeling of protein sequence and biophysical properties (such as structural, functional, and spatial information, amino acid conservation, physicochemical variation, residue mobility, and thermodynamic stability) has been performed for this missense variant. However, the output from this modeling did not meet the statistical confidence thresholds required to predict the impact of this variant on LRTOMT protein function. In summary, the available evidence is currently insufficient to determine the role of this variant in disease. Therefore, it has been classified as a Variant of Uncertain Significance.

Laboratory for Molecular Medicine, Mass General Brigham Personalized Medicine
Classification: Uncertain significance. Last evaluated: 2016-01-04. Review status: criteria provided, single submitter. Criteria: LMM Criteria. Collection method: clinical testing. Allele origin: germline. Observed: 2 variant alleles.
Comment: The p.Asp243Glu variant in LRTOMT has not been previously reported in individual s with hearing loss. Data from large population studies is insufficient to asses s the frequency of this variant. Computational prediction tools and conservation analyses do not provide strong support for or against an impact to the protein. In summary, the clinical significance of the p.Asp243Glu variant is uncertain.

NM_001145308.5(LRTOMT):c.729C>G (p.Asp243Glu)

Genes: LRTOMT (leucine rich transmembrane and O-methyltransferase domain containing; plus strand), TOMT (transmembrane O-methyltransferase; plus strand), ANAPC15 (anaphase promoting complex subunit 15; minus strand). Cytogenetic location: 11q13.4.
Variant type: single nucleotide variant.
Coding change: c.729C>G on transcript NM_001145308.5; coding-DNA position 729, C replaced by G.
Protein change: p.Asp243Glu; replaces aspartic acid 243 with glutamic acid.
Molecular consequence: missense variant. On other transcripts: 3 prime UTR variant (3), non-coding transcript variant (1), intron variant (7).
Genome position (GRCh38, 1-based): chr11:72,108,778, C>G. VCF-style: chr11-72108778-C-G. GRCh37 (hg19) VCF-style: chr11-71819824-C-G.
Other names: c.630C>G, p.Asp210Glu (NM_001393500.2); c.729C>G, p.Asp243Glu (NM_001145309.4); c.609C>G, p.Asp203Glu (NM_001145310.4); c.*41G>C (NM_001393443.1, NM_001393444.1, NM_001393445.1); c.64-1173G>C (NM_001393459.1); c.319-1173G>C (NM_001393430.1, NM_001393429.1, NM_001393428.1 and 3 more transcripts); short protein forms D243E, D203E, D210E.
Identifiers: ClinVar variation 228839 (VCV000228839.10), dbSNP rs876657863, ClinGen allele CA10576900.
Genomic context (GRCh38, chr11:72,108,778, plus strand): 5'-GGACCTGCAGCTGCTGGAGGCCCATGCCCTACTGCCAGCAGGTGCCACCGTGCTGGCTGA[C>G]CATGTGCTCTTCCCTGGTGCACCCCGCTTCTTGCAGTATGCTAAGAGCTGTGGCCGCTAC-3'